The following is an entry in ClinVar:

NM_002016.2(FLG):c.7010C>G (p.Ser2337Ter)

Genes: CCDST (cervical cancer associated DHX9 suppressive transcript; plus strand), FLG (filaggrin; minus strand). Cytogenetic location: 1q21.3.
Variant type: single nucleotide variant.
Coding change: c.7010C>G on transcript NM_002016.2 (MANE Select); coding-DNA position 7010, C replaced by G.
Protein change: p.Ser2337Ter; replaces serine 2337 with a stop codon.
Molecular consequence: nonsense.
Genome position (GRCh38, 1-based): chr1:152,307,876, G>C on the plus strand (C>G on the coding strand, the complement: FLG is on the minus strand). VCF-style: chr1-152307876-G-C. GRCh37 (hg19) VCF-style: chr1-152280352-G-C.
Other names: short protein forms S2337*.
Identifiers: ClinVar variation 4088166 (VCV004088166.1).

ClinVar aggregate classification (germline): Pathogenic (1 of 4 stars; one submission).

Submission:

GeneDx
Classification: Pathogenic. Last evaluated: 2025-03-25. Review status: criteria provided, single submitter. Criteria: GeneDx Variant Classification Process June 2021. Collection method: clinical testing. Allele origin: germline. Affected: yes.
Comment: Has not been previously published as pathogenic or benign to our knowledge; Nonsense variant predicted to result in protein truncation, as the last 1725 amino acid(s) are lost, and other loss-of-function variants have been reported downstream in HGMD; Not observed at significant frequency in large population cohorts (gnomAD); This variant is associated with the following publications: (PMID: 16444271)